The following is an entry in ClinVar:

ClinVar aggregate classification (germline): Uncertain significance. Review status: criteria provided, multiple submitters, no conflicts (2 of 4 stars). 3 submissions from 3 submitters: Uncertain significance (3). Last evaluated 2024-10-07.

Conditions:
PDZD7-related disorder. Also called: PDZD7-related condition; PDZD7-related disorders.

Submissions (3):

PreventionGenetics, part of Exact Sciences
Classification: Uncertain significance for PDZD7-related condition. Last evaluated: 2024-10-07. Review status: criteria provided, single submitter. Criteria: ACMG Guidelines, 2015. Collection method: clinical testing. Allele origin: germline.
Comment: The PDZD7 c.2341_2352dup12 variant is predicted to result in an in-frame duplication (p.Arg781_Ser784dup). To our knowledge, this variant has not been reported in the literature. This variant is reported in 0.075% of alleles in individuals of East Asian descent in gnomAD. Although we suspect that this variant may be benign, at this time, the clinical significance of this variant is uncertain due to the absence of conclusive functional and genetic evidence.

Laboratory for Molecular Medicine, Mass General Brigham Personalized Medicine
Classification: Uncertain significance. Last evaluated: 2023-08-24. Review status: criteria provided, single submitter. Criteria: ACMG Guidelines, 2015. Collection method: clinical testing. Allele origin: germline.
Comment: The p.Arg781_Ser784dup variant in PDZD7 has not been previously reported in individuals with hearing loss but has been identified in 0.096% (5/5180) of East Asian and 0.058% (24/41280) of African chromosomes by gnomAD (v.3.1.2). This variant has also been reported in ClinVar (Variation ID 850611). This variant leads to a duplication of 4 amino acids at position 781 to 784 and is not predicted to alter the protein reading frame. It is unclear if this duplication will impact the protein. In summary, while the clinical significance of this variant is uncertain, its frequency suggests that it is more likely to be benign. ACMG/AMP Criteria applied: BS1.

Labcorp Genetics (formerly Invitae), Labcorp
Classification: Uncertain significance. Last evaluated: 2022-09-12. Review status: criteria provided, single submitter. Criteria: Invitae Variant Classification Sherloc (09022015). Collection method: clinical testing. Allele origin: germline.
Comment: This variant, c.2341_2352dup, results in the insertion of 4 amino acid(s) of the PDZD7 protein (p.Arg781_Ser784dup), but otherwise preserves the integrity of the reading frame. This variant is present in population databases (rs200896335, gnomAD 0.08%). This variant has not been reported in the literature in individuals affected with PDZD7-related conditions. ClinVar contains an entry for this variant (Variation ID: 850611). Experimental studies and prediction algorithms are not available or were not evaluated, and the functional significance of this variant is currently unknown. In summary, the available evidence is currently insufficient to determine the role of this variant in disease. Therefore, it has been classified as a Variant of Uncertain Significance.

NM_001195263.2(PDZD7):c.2335CGCAGC[5] (p.773RS[8])

Gene: PDZD7 (PDZ domain containing 7; minus strand). Cytogenetic location: 10q24.31.
Variant type: Microsatellite.
Coding change: c.2335CGCAGC[5] on transcript NM_001195263.2 (MANE Select); five copies in a row of the 6-base unit CGCAGC starting at c.2335; the reference has three copies in a row; two copies, 12 bases duplicated.
Protein change: p.773RS[8].
Molecular consequence: inframe insertion.
Genome position (GRCh38, 1-based): chr10:101,010,537-101,010,548, GCTGCGGCTGCG duplicated on the plus strand (CGCAGCCGCAGC on the coding strand, the reverse complement: PDZD7 is on the minus strand); duplicating any 12 consecutive bases within chr10:101,010,537-101,010,557 gives the same sequence; the position shown is the placement nearest the transcript's 3' end. VCF-style (leftmost placement, unchanged base first): chr10-101010536-T-TGCTGCGGCTGCG. GRCh37 (hg19) VCF-style: chr10-102770293-T-TGCTGCGGCTGCG.
Other names: c.2341_2352dup12 (NM_001195263.1).
Identifiers: ClinVar variation 850611 (VCV000850611.6), dbSNP rs200896335, ClinGen allele CA5653976.